The following is an entry in ClinVar:

ClinVar aggregate classification (germline): Uncertain significance (1 of 4 stars; one submission).

Conditions:
Fanconi anemia (FA). Also called: Fanconi's anemia. Identifiers: Orphanet 84, MedGen C0015625, MeSH D005199, MONDO:0019391.

Submission:

Labcorp Genetics (formerly Invitae), Labcorp
Classification: Uncertain significance for Fanconi anemia. Last evaluated: 2022-12-21. Review status: criteria provided, single submitter. Criteria: Invitae Variant Classification Sherloc (09022015). Collection method: clinical testing. Allele origin: unknown.
Comment: In summary, the available evidence is currently insufficient to determine the role of this variant in disease. Therefore, it has been classified as a Variant of Uncertain Significance. This variant has not been reported in the literature in individuals affected with FANCM-related conditions. This variant results in a copy number gain of the genomic region encompassing exon(s) 4-23 of the FANCM gene. This region includes the termination codon of the gene. This copy number gain extends beyond the assayed region for this gene and therefore may encompass additional genes. As the precise location of this event is unknown, it may be in tandem or it may be located elsewhere in the genome.

NC_000014.8:g.(?_45618020)_(45669211_?)dup

Gene: FANCM (FA complementation group M; plus strand). Cytogenetic location: 14q21.2.
Variant type: Duplication.
Identifiers: ClinVar variation 3243942 (VCV003243942.1).